The following is an entry in ClinVar:

ClinVar aggregate classification (germline): Uncertain significance. Review status: criteria provided, multiple submitters, no conflicts (2 of 4 stars). 2 submissions from 2 submitters: Uncertain significance (2). Last evaluated 2026-01-27.

Conditions:
Wilms tumor 1 (WT1). Also called: Wilms tumor, somatic. Identifiers: Orphanet 654, MedGen CN033288, MONDO:0008679, OMIM 194070.
Inborn genetic diseases. Identifiers: MedGen C0950123, MeSH D030342.

Submissions (2):

Labcorp Genetics (formerly Invitae), Labcorp
Classification: Uncertain significance for Wilms tumor 1. Last evaluated: 2026-01-27. Review status: criteria provided, single submitter. Criteria: Invitae Variant Classification Sherloc (09022015). Collection method: clinical testing. Allele origin: germline.
Comment: This sequence change replaces methionine, which is neutral and non-polar, with leucine, which is neutral and non-polar, at codon 14 of the GPC3 protein (p.Met14Leu). This variant is not present in population databases (gnomAD no frequency). This variant has not been reported in the literature in individuals affected with GPC3-related conditions. ClinVar contains an entry for this variant (Variation ID: 2490561). An algorithm developed to predict the effect of missense changes on protein structure and function (PolyPhen-2) suggests that this variant is likely to be tolerated. In summary, the available evidence is currently insufficient to determine the role of this variant in disease. Therefore, it has been classified as a Variant of Uncertain Significance.

Ambry Genetics
Classification: Uncertain significance for Inborn genetic diseases. Last evaluated: 2023-02-28. Review status: criteria provided, single submitter. Criteria: Ambry Variant Classification Scheme 2023. Collection method: clinical testing. Allele origin: germline.

NM_004484.4(GPC3):c.40A>T (p.Met14Leu)

Gene: GPC3 (glypican 3; minus strand). Cytogenetic location: Xq26.2.
Variant type: single nucleotide variant.
Coding change: c.40A>T on transcript NM_004484.4 (MANE Select); coding-DNA position 40, A replaced by T.
Protein change: p.Met14Leu; replaces methionine 14 with leucine.
Molecular consequence: missense variant.
Genome position (GRCh38, 1-based): chrX:133,985,410, T>A on the plus strand (A>T on the coding strand, the complement: GPC3 is on the minus strand). VCF-style: chrX-133985410-T-A. GRCh37 (hg19) VCF-style: chrX-133119437-T-A.
Other names: c.40A>T, p.Met14Leu (NM_001164617.2, NM_001164618.2, NM_001164619.2); short protein forms M14L.
Identifiers: ClinVar variation 2490561 (VCV002490561.3), dbSNP rs780176118, ClinGen allele CA10520893.
Genomic context (GRCh38, chrX:133,985,410, plus strand): 5'-TGGCGTCCGGCGGCGGCGGCGGGGGCTGCGCCTGTCCCGGGAAGTCCAAGCTGAGCAGCA[T>A]CGCCACCACCAAGCACGCGGTGCGCACGGTCCCGGCCATCCTGCTTCGCAGGGAGCTAGG-3'
Protein context (NP_004475.1, residues 4-24): TVRTACLVVA[Met14Leu]LLSLDFPGQA